The following is an entry in ClinVar:

ClinVar aggregate classification (germline): Uncertain significance (1 of 4 stars; one submission).

gnomAD v4.1: 45 of 1,614,078 alleles (0.0028%); highest among the groups gnomAD compares: Non-Finnish European, 0.0038%; no homozygotes.

Submission:

Women's Health and Genetics/Laboratory Corporation of America, LabCorp
Classification: Uncertain significance. Last evaluated: 2024-09-17. Review status: criteria provided, single submitter. Criteria: LabCorp Variant Classification Summary - May 2015. Collection method: clinical testing. Allele origin: germline.
Comment: Variant summary: LRAT c.236T>G (p.Leu79Trp) results in a non-conservative amino acid change located in the LRAT domain (IPR007053) of the encoded protein sequence. Four of five in-silico tools predict a damaging effect of the variant on protein function. The variant allele was found at a frequency of 4e-06 in 251328 control chromosomes. The available data on variant occurrences in the general population are insufficient to allow any conclusion about variant significance. c.236T>G has been reported in the literature in an individual affected with Leber Congenital Amaurosis who carried variants in an alternative gene (e.g. Skorczyk-Werner_2020). This report does not provide unequivocal conclusions about association of the variant with Leber Congenital Amaurosis. To our knowledge, no experimental evidence demonstrating an impact on protein function has been reported. The following publication has been ascertained in the context of this evaluation (PMID: 33308271). No submitters have cited clinical-significance assessments for this variant to ClinVar. Based on the evidence outlined above, the variant was classified as uncertain significance.

Literature cited by the submitters: PubMed 33308271.

NM_004744.5(LRAT):c.236T>G (p.Leu79Trp)

Gene: LRAT (lecithin retinol acyltransferase; plus strand). Cytogenetic location: 4q32.1.
Variant type: single nucleotide variant.
Coding change: c.236T>G on transcript NM_004744.5 (MANE Select); coding-DNA position 236, T replaced by G.
Protein change: p.Leu79Trp; replaces leucine 79 with tryptophan.
Molecular consequence: missense variant.
Genome position (GRCh38, 1-based): chr4:154,744,562, T>G. VCF-style: chr4-154744562-T-G. GRCh37 (hg19) VCF-style: chr4-155665714-T-G.
Other names: c.236T>G, p.Leu79Trp (NM_001301645.2); short protein forms L79W.
Identifiers: ClinVar variation 3375442 (VCV003375442.1).